The following is an entry in ClinVar:

NM_004817.4(TJP2):c.1501G>A (p.Glu501Lys)

Gene: TJP2 (tight junction protein 2; plus strand). Cytogenetic location: 9q21.11.
Variant type: single nucleotide variant.
Coding change: c.1501G>A on transcript NM_004817.4 (MANE Select); coding-DNA position 1501, G replaced by A.
Protein change: p.Glu501Lys; replaces glutamic acid 501 with lysine.
Molecular consequence: missense variant.
Genome position (GRCh38, 1-based): chr9:69,229,231, G>A. VCF-style: chr9-69229231-G-A. GRCh37 (hg19) VCF-style: chr9-71844147-G-A.
Other names: c.1432G>A, p.Glu478Lys (NM_001170414.2, NM_001369871.1); c.1513G>A, p.Glu505Lys (NM_001170415.1, NM_001369874.1, NM_001369875.1); c.1594G>A, p.Glu532Lys (NM_001170416.2); c.1426G>A, p.Glu476Lys (NM_001369870.1); c.1501G>A, p.Glu501Lys (NM_001369872.1, NM_001369873.1, NM_201629.3); short protein forms E478K, E505K, E532K, E476K, E501K.
Identifiers: ClinVar variation 1384128 (VCV001384128.6), dbSNP rs747100913, ClinGen allele CA5073331.

ClinVar aggregate classification (germline): Uncertain significance (1 of 4 stars; one submission).

Allele frequency attached by ClinVar (database versions not stated): gnomAD exomes below 0.00001; ExAC 0.00001.
gnomAD v4.1: 1 of 1,614,028 alleles (0.000062%); highest among the groups gnomAD compares: Non-Finnish European, 0.000085%; no homozygotes.

Submission:

Labcorp Genetics (formerly Invitae), Labcorp
Classification: Uncertain significance. Last evaluated: 2021-10-02. Review status: criteria provided, single submitter. Criteria: Invitae Variant Classification Sherloc (09022015). Collection method: clinical testing. Allele origin: germline.
Comment: In summary, the available evidence is currently insufficient to determine the role of this variant in disease. Therefore, it has been classified as a Variant of Uncertain Significance. Algorithms developed to predict the effect of missense changes on protein structure and function (SIFT, PolyPhen-2, Align-GVGD) all suggest that this variant is likely to be tolerated. This variant has not been reported in the literature in individuals affected with TJP2-related conditions. This variant is present in population databases (rs747100913, ExAC 0.001%). This sequence change replaces glutamic acid with lysine at codon 501 of the TJP2 protein (p.Glu501Lys). The glutamic acid residue is moderately conserved and there is a small physicochemical difference between glutamic acid and lysine.